The following is an entry in ClinVar:

ClinVar aggregate classification (germline): Likely benign. Review status: criteria provided, multiple submitters, no conflicts (2 of 4 stars). 2 submissions from 2 submitters: Likely benign (2). Last evaluated 2025-01-08.

Conditions:
Developmental and epileptic encephalopathy, 12 (DEE12). Identifiers: MedGen C3150988, MONDO:0013389, OMIM 613722.

gnomAD v4.1: 2 of 1,611,312 alleles (0.00012%); highest among the groups gnomAD compares: Admixed American, 0.0033%; no homozygotes.

Submissions (2):

Athena Diagnostics
Classification: Likely benign. Last evaluated: 2025-01-08. Review status: criteria provided, single submitter. Criteria: Athena Diagnostics Criteria. Collection method: clinical testing. Allele origin: unknown.
Comment: Computational tools yielded predictions that this variant is unlikely to have an effect on normal RNA splicing. This nucleotide position exhibits low evolutionary conservation.

Labcorp Genetics (formerly Invitae), Labcorp
Classification: Likely benign for Developmental and epileptic encephalopathy, 12. Last evaluated: 2023-10-18. Review status: criteria provided, single submitter. Criteria: Invitae Variant Classification Sherloc (09022015). Collection method: clinical testing. Allele origin: germline.

NM_015192.4(PLCB1):c.2055T>C (p.Gly685=)

Gene: PLCB1 (phospholipase C beta 1; plus strand). Cytogenetic location: 20p12.3.
Variant type: single nucleotide variant.
Coding change: c.2055T>C on transcript NM_015192.4 (MANE Select); coding-DNA position 2055, T replaced by C.
Protein change: p.Gly685=; no amino-acid change (glycine 685 retained).
Molecular consequence: synonymous variant.
Genome position (GRCh38, 1-based): chr20:8,737,039, T>C. VCF-style: chr20-8737039-T-C. GRCh37 (hg19) VCF-style: chr20-8717686-T-C.
Other names: c.2055T>C (NM_015192.3); c.2055T>C, p.Gly685= (NM_182734.3).
Identifiers: ClinVar variation 2420491 (VCV002420491.10), dbSNP rs1215596735, ClinGen allele CA509638861.